The following is an entry in ClinVar:

NM_172240.3(POC1B):c.177C>G (p.His59Gln)

Genes: POC1B-DUSP6 (POC1B-DUSP6 readthrough; minus strand), POC1B (POC1 centriolar protein B; minus strand). Cytogenetic location: 12q21.33.
Variant type: single nucleotide variant.
Coding change: c.177C>G on transcript NM_172240.3 (MANE Select); coding-DNA position 177, C replaced by G.
Protein change: p.His59Gln; replaces histidine 59 with glutamine.
Molecular consequence: missense variant.
Genome position (GRCh38, 1-based): chr12:89,497,266, G>C on the plus strand (C>G on the coding strand, the complement: POC1B is on the minus strand). VCF-style: chr12-89497266-G-C. GRCh37 (hg19) VCF-style: chr12-89891043-G-C.
Other names: c.51C>G, p.His17Gln (NM_001199777.2); short protein forms H17Q, H59Q.
Identifiers: ClinVar variation 2009518 (VCV002009518.1), dbSNP rs1869302583, ClinGen allele CA385994078.
Genomic context (GRCh38, chr12:89,497,266, plus strand): 5'-TGAGGCAGACGCCAATAAGTTTCCATGTGGAGAAAACTGCACGCTGGTTACAACATCCTT[G>C]TGACCCACATATCTGTAAGCTCTAGCATGTGGCTTGAAATTCCATAGCATGAGAAAGGTA-3'
Protein context (NP_758440.1, residues 49-69): PHARAYRYVG[His59Gln]KDVVTSVQFS

ClinVar aggregate classification (germline): Uncertain significance (1 of 4 stars; one submission).

Allele frequency attached by ClinVar (database versions not stated): gnomAD 0.00001; TOPMed 0.00001.
gnomAD v4.1: 7 of 1,613,388 alleles (0.00043%); highest among the groups gnomAD compares: African/African-American, 0.0013%; no homozygotes.

Submission:

Labcorp Genetics (formerly Invitae), Labcorp
Classification: Uncertain significance. Last evaluated: 2022-06-23. Review status: criteria provided, single submitter. Criteria: Invitae Variant Classification Sherloc (09022015). Collection method: clinical testing. Allele origin: germline.
Comment: This sequence change replaces histidine, which is basic and polar, with glutamine, which is neutral and polar, at codon 59 of the POC1B protein (p.His59Gln). This variant is not present in population databases (gnomAD no frequency). This variant has not been reported in the literature in individuals affected with POC1B-related conditions. Advanced modeling of protein sequence and biophysical properties (such as structural, functional, and spatial information, amino acid conservation, physicochemical variation, residue mobility, and thermodynamic stability) performed at Invitae indicates that this missense variant is expected to disrupt POC1B protein function. In summary, the available evidence is currently insufficient to determine the role of this variant in disease. Therefore, it has been classified as a Variant of Uncertain Significance.